The following is an entry in ClinVar:

NM_001353108.3(CEP63):c.1421G>A (p.Arg474His)

Gene: CEP63 (centrosomal protein 63; plus strand). Cytogenetic location: 3q22.2.
Variant type: single nucleotide variant.
Coding change: c.1421G>A on transcript NM_001353108.3 (MANE Select); coding-DNA position 1421, G replaced by A.
Protein change: p.Arg474His; replaces arginine 474 with histidine.
Molecular consequence: missense variant. On other transcripts: non-coding transcript variant (4).
Genome position (GRCh38, 1-based): chr3:134,551,966, G>A. VCF-style: chr3-134551966-G-A. GRCh37 (hg19) VCF-style: chr3-134270808-G-A.
Other names: c.1283G>A, p.Arg428His (NM_001042383.2, NM_001042384.2, NM_001353109.1 and 6 more transcripts); c.1421G>A, p.Arg474His (NM_001042400.3, NM_001353110.1, NM_001353111.2 and 4 more transcripts); c.1310G>A, p.Arg437His (NM_001353118.1); c.1199G>A, p.Arg400His (NM_001353125.2); c.920G>A, p.Arg307His (NM_001353126.2); c.1421G>A (NM_025180.3); short protein forms R437H, R307H, R400H, R474H, R428H.
Identifiers: ClinVar variation 2188089 (VCV002188089.2), dbSNP rs751282317, ClinGen allele CA2628664.

ClinVar aggregate classification (germline): Uncertain significance. Review status: criteria provided, multiple submitters, no conflicts (2 of 4 stars). 2 submissions from 2 submitters: Uncertain significance (2). Last evaluated 2023-12-16.

Conditions:
Inborn genetic diseases. Identifiers: MedGen C0950123, MeSH D030342.

Allele frequency attached by ClinVar (database versions not stated): gnomAD exomes 0.00002; ExAC 0.00005; gnomAD 0.00007; TOPMed 0.00008.
gnomAD v4.1: 44 of 1,608,180 alleles (0.0027%); highest among the groups gnomAD compares: East Asian, 0.038%; no homozygotes.

Submissions (2):

Ambry Genetics
Classification: Uncertain significance for Inborn genetic diseases. Last evaluated: 2023-12-16. Review status: criteria provided, single submitter. Criteria: Ambry Variant Classification Scheme 2023. Collection method: clinical testing. Allele origin: germline.

Labcorp Genetics (formerly Invitae), Labcorp
Classification: Uncertain significance. Last evaluated: 2021-12-28. Review status: criteria provided, single submitter. Criteria: Invitae Variant Classification Sherloc (09022015). Collection method: clinical testing. Allele origin: germline.
Comment: This sequence change replaces arginine, which is basic and polar, with histidine, which is basic and polar, at codon 474 of the CEP63 protein (p.Arg474His). This variant is present in population databases (rs751282317, gnomAD 0.1%). This variant has not been reported in the literature in individuals affected with CEP63-related conditions. Algorithms developed to predict the effect of missense changes on protein structure and function output the following: SIFT: "Tolerated"; PolyPhen-2: "Benign"; Align-GVGD: "Class C0". The histidine amino acid residue is found in multiple mammalian species, which suggests that this missense change does not adversely affect protein function. In summary, the available evidence is currently insufficient to determine the role of this variant in disease. Therefore, it has been classified as a Variant of Uncertain Significance.